The following is an entry in ClinVar:

ClinVar aggregate classification (germline): Uncertain significance (1 of 4 stars; one submission).

Conditions:
Marfan syndrome (MFS). Also called: Marfan syndrome type 1; Marfan's syndrome; FBN1-Related Marfan Syndrome; MARFAN SYNDROME, TYPE I; Marfan syndrome, classic. Identifiers: Orphanet 284963, Orphanet 558, MedGen C0024796, MONDO:0007947, OMIM 154700.
Familial thoracic aortic aneurysm and aortic dissection (TAAD). Also called: Thoracic aortic aneurysms and dissections. Identifiers: Orphanet 91387, MedGen C4707243, MONDO:0019625.

Submission:

Labcorp Genetics (formerly Invitae), Labcorp
Classification: Uncertain significance for Marfan syndrome; Familial thoracic aortic aneurysm and aortic dissection. Last evaluated: 2021-11-30. Review status: criteria provided, single submitter. Criteria: Invitae Variant Classification Sherloc (09022015). Collection method: clinical testing. Allele origin: germline.
Comment: In summary, the available evidence is currently insufficient to determine the role of this variant in disease. Therefore, it has been classified as a Variant of Uncertain Significance. Algorithms developed to predict the effect of missense changes on protein structure and function are either unavailable or do not agree on the potential impact of this missense change (SIFT: "Deleterious"; PolyPhen-2: "Probably Damaging"; Align-GVGD: "Class C0"). This missense change has been observed in individual(s) with clinical features of Marfan syndrome (PMID: 21895641). This variant is not present in population databases (gnomAD no frequency). This sequence change replaces proline, which is neutral and non-polar, with serine, which is neutral and polar, at codon 2545 of the FBN1 protein (p.Pro2545Ser).

Literature cited by the submitters: PubMed 21895641.

NM_000138.5(FBN1):c.7633C>T (p.Pro2545Ser)

Gene: FBN1 (fibrillin 1; minus strand). Cytogenetic location: 15q21.1.
Variant type: single nucleotide variant.
Coding change: c.7633C>T on transcript NM_000138.5 (MANE Select); coding-DNA position 7633, C replaced by T.
Protein change: p.Pro2545Ser; replaces proline 2545 with serine.
Molecular consequence: missense variant.
Genome position (GRCh38, 1-based): chr15:48,421,624, G>A on the plus strand (C>T on the coding strand, the complement: FBN1 is on the minus strand). VCF-style: chr15-48421624-G-A. GRCh37 (hg19) VCF-style: chr15-48713821-G-A.
Other names: short protein forms P2545S.
Identifiers: ClinVar variation 1407987 (VCV001407987.6), dbSNP rs2141221883, ClinGen allele CA392325188.